The following is an entry in ClinVar:

NM_000535.7(PMS2):c.408G>T (p.Met136Ile)

Gene: PMS2 (PMS1 homolog 2, mismatch repair system component; minus strand). Cytogenetic location: 7p22.1.
Variant type: single nucleotide variant.
Coding change: c.408G>T on transcript NM_000535.7 (MANE Select); coding-DNA position 408, G replaced by T.
Protein change: p.Met136Ile; replaces methionine 136 with isoleucine.
Molecular consequence: missense variant. On other transcripts: initiator codon variant (27), 5 prime UTR variant (2), non-coding transcript variant (1), intron variant (1).
Genome position (GRCh38, 1-based): chr7:6,002,582, C>A on the plus strand (G>T on the coding strand, the complement: PMS2 is on the minus strand). VCF-style: chr7-6002582-C-A. GRCh37 (hg19) VCF-style: chr7-6042213-C-A.
Other names: c.3G>T, p.Met1Ile (NM_001018040.1, NM_001322003.2, NM_001322004.2 and 25 more transcripts); c.408G>T, p.Met136Ile (NM_001322006.2, NM_001322014.2, NM_001406869.1 and 8 more transcripts); c.90G>T, p.Met30Ile (NM_001322007.2, NM_001322008.2, NM_001406876.1 and 4 more transcripts); c.-477G>T (NM_001322011.2, NM_001322012.2); c.99G>T, p.Met33Ile (NM_001322015.2, NM_001406875.1, NM_001406877.1 and 6 more transcripts); c.594G>T, p.Met198Ile (NM_001406866.1); c.432G>T, p.Met144Ile (NM_001406868.1); c.250+1390G>T (NM_001406885.1); short protein forms M136I, M144I, M198I, M1I, M30I, M33I.
Identifiers: ClinVar variation 3069622 (VCV003069622.1), dbSNP rs1064794077, ClinGen allele CA366744413.
Genomic context (GRCh38, chr7:6,002,582, plus strand): 5'-TGTGGTCCCTCTGGGGCGGGGGTAGGGGGTTTTCTGGATAATTTTCCCATTGTGATCAAA[C>A]ATCAGTCGAGTTCCAACCTTCGCCGATGCGTGGCAGGTAGAAATGGTGACATCGCTGTGA-3'
Protein context (NP_000526.2, residues 126-146): HASAKVGTRL[Met136Ile]FDHNGKIIQK

ClinVar aggregate classification (germline): Uncertain significance (1 of 4 stars; one submission).

Conditions:
Lynch syndrome. Identifiers: Orphanet 144, MedGen C4552100, MONDO:0005835. Disease mechanism: loss of function.

Submission:

All of Us Research Program, National Institutes of Health
Classification: Uncertain significance for Lynch syndrome. Last evaluated: 2023-05-04. Review status: criteria provided, single submitter. Criteria: ACMG Guidelines, 2015. Collection method: clinical testing. Allele origin: germline. Inheritance: Autosomal dominant inheritance. Observed: 2 variant alleles, 2 heterozygotes.
Comment: This missense variant replaces methionine with isoleucine at codon 136 of the PMS2 protein. Computational prediction suggests that this variant may not impact protein structure and function (internally defined REVEL score threshold <= 0.5, PMID: 27666373). To our knowledge, functional studies have not been reported for this variant. This variant has not been reported in individuals affected with PMS2-related disorders in the literature. This variant has not been identified in the general population by the Genome Aggregation Database (gnomAD). The available evidence is insufficient to determine the role of this variant in disease conclusively. Therefore, this variant is classified as a Variant of Uncertain Significance.

This study involves interpretation of variants in research participants for the purpose of population health screening. Participant phenotype was not available at the time of variant classification. Additional details can be found in publication PMID: 35346344, PMCID: PMC8962531